The following is an entry in ClinVar:

NM_000642.3(AGL):c.1541A>G (p.Glu514Gly)

Gene: AGL (amylo-alpha-1,6-glucosidase and 4-alpha-glucanotransferase; plus strand). Cytogenetic location: 1p21.2.
Variant type: single nucleotide variant.
Coding change: c.1541A>G on transcript NM_000642.3 (MANE Select); coding-DNA position 1541, A replaced by G.
Protein change: p.Glu514Gly; replaces glutamic acid 514 with glycine.
Molecular consequence: missense variant.
Genome position (GRCh38, 1-based): chr1:99,877,758, A>G. VCF-style: chr1-99877758-A-G. GRCh37 (hg19) VCF-style: chr1-100343314-A-G.
Other names: c.1541A>G, p.Glu514Gly (NM_000028.3, NM_000643.3, NM_000644.3 and 2 more transcripts); c.1493A>G, p.Glu498Gly (NM_000646.3); c.1340A>G, p.Glu447Gly (NM_001425327.1); c.1337A>G, p.Glu446Gly (NM_001425328.1, NM_001425329.1); c.1163A>G, p.Glu388Gly (NM_001425332.1); short protein forms E498G, E514G, E388G, E446G, E447G.
Identifiers: ClinVar variation 1038190 (VCV001038190.6), dbSNP rs766138863, ClinGen allele CA966524.

ClinVar aggregate classification (germline): Uncertain significance (1 of 4 stars; one submission).

Conditions:
Glycogen storage disease type III (GSD3). Also called: FORBES DISEASE; Cori disease. Identifiers: Orphanet 366, MedGen C0017922, MONDO:0009291, OMIM 232400.

Allele frequency attached by ClinVar (database versions not stated): ExAC 0.00001; gnomAD 0.00001; gnomAD exomes 0.00001 and 0.00005; TOPMed 0.00002.
gnomAD v4.1: 67 of 1,614,014 alleles (0.0042%); highest among the groups gnomAD compares: Non-Finnish European, 0.0056%; no homozygotes.

Submission:

Labcorp Genetics (formerly Invitae), Labcorp
Classification: Uncertain significance for Glycogen storage disease type III. Last evaluated: 2022-06-13. Review status: criteria provided, single submitter. Criteria: Invitae Variant Classification Sherloc (09022015). Collection method: clinical testing. Allele origin: germline.
Comment: This sequence change replaces glutamic acid, which is acidic and polar, with glycine, which is neutral and non-polar, at codon 514 of the AGL protein (p.Glu514Gly). This variant is present in population databases (rs766138863, gnomAD 0.002%). This variant has not been reported in the literature in individuals affected with AGL-related conditions. ClinVar contains an entry for this variant (Variation ID: 1038190). Algorithms developed to predict the effect of missense changes on protein structure and function are either unavailable or do not agree on the potential impact of this missense change (SIFT: "Deleterious"; PolyPhen-2: "Possibly Damaging"; Align-GVGD: "Class C0"). In summary, the available evidence is currently insufficient to determine the role of this variant in disease. Therefore, it has been classified as a Variant of Uncertain Significance.